The following is an entry in ClinVar:

NM_000275.3(OCA2):c.1702G>T (p.Glu568Ter)

Gene: OCA2 (OCA2 melanosomal transmembrane protein; minus strand). Cytogenetic location: 15q13.1.
Variant type: single nucleotide variant.
Coding change: c.1702G>T on transcript NM_000275.3 (MANE Select); coding-DNA position 1702, G replaced by T.
Protein change: p.Glu568Ter; replaces glutamic acid 568 with a stop codon.
Molecular consequence: nonsense.
Genome position (GRCh38, 1-based): chr15:27,957,670, C>A on the plus strand (G>T on the coding strand, the complement: OCA2 is on the minus strand). VCF-style: chr15-27957670-C-A. GRCh37 (hg19) VCF-style: chr15-28202816-C-A.
Other names: c.1630G>T, p.Glu544Ter (NM_001300984.2); short protein forms E544*, E568*.
Identifiers: ClinVar variation 5014109 (VCV005014109.1).

ClinVar aggregate classification (germline): Pathogenic (1 of 4 stars; one submission).

Conditions:
Tyrosinase-positive oculocutaneous albinism (OCA2). Also called: ALBINISM II; Oculocutaneous albinism type 2; Albinism, oculocutaneous, type II. Identifiers: Orphanet 79432, MedGen C0268495, MONDO:0008746, OMIM 203200.

Submission:

Myriad Genetics, Inc.
Classification: Pathogenic for Tyrosinase-positive oculocutaneous albinism. Last evaluated: 2025-02-18. Review status: criteria provided, single submitter. Criteria: Myriad Autosomal Dominant, Autosomal Recessive and X-Linked Classification Criteria (2023). Collection method: clinical testing. Allele origin: unknown.
Comment: NM_000275.2(OCA2):c.1702G>T(E568*) is expected to be pathogenic in the context of oculocutaneous albinism, OCA2-related. This variant is predicted to lead to an abnormal or absent protein product due to the creation of a premature termination codon in OCA2, a gene where loss-of-function variants are known to be pathogenic. Please note: this variant was assessed in the context of healthy population screening.